The following is an entry in ClinVar:

NM_182914.3(SYNE2):c.7139A>C (p.Lys2380Thr)

Gene: SYNE2 (spectrin repeat containing nuclear envelope protein 2; plus strand). Cytogenetic location: 14q23.2.
Variant type: single nucleotide variant.
Coding change: c.7139A>C on transcript NM_182914.3 (MANE Select); coding-DNA position 7139, A replaced by C.
Protein change: p.Lys2380Thr; replaces lysine 2380 with threonine.
Molecular consequence: missense variant.
Genome position (GRCh38, 1-based): chr14:64,031,275, A>C. VCF-style: chr14-64031275-A-C. GRCh37 (hg19) VCF-style: chr14-64497993-A-C.
Other names: c.7139A>C, p.Lys2380Thr (NM_015180.6); short protein forms K2380T.
Identifiers: ClinVar variation 646856 (VCV000646856.10), dbSNP rs1157953928, ClinGen allele CA389952846.

ClinVar aggregate classification (germline): Uncertain significance (1 of 4 stars; one submission).

Conditions:
Emery-Dreifuss muscular dystrophy 5, autosomal dominant (EDMD5). Also called: EMERY-DREIFUSS MUSCULAR DYSTROPHY 5. Identifiers: Orphanet 261, MedGen C2751805, MONDO:0013072, OMIM 612999.

Allele frequency attached by ClinVar (database versions not stated): gnomAD exomes below 0.00001; TOPMed below 0.00001; gnomAD 0.00001.
gnomAD v4.1: 3 of 1,614,074 alleles (0.00019%); highest among the groups gnomAD compares: African/African-American, 0.0013%; no homozygotes.

Submission:

Labcorp Genetics (formerly Invitae), Labcorp
Classification: Uncertain significance for Emery-Dreifuss muscular dystrophy 5, autosomal dominant. Last evaluated: 2022-07-12. Review status: criteria provided, single submitter. Criteria: Invitae Variant Classification Sherloc (09022015). Collection method: clinical testing. Allele origin: germline.
Comment: This variant is not present in population databases (gnomAD no frequency). This sequence change replaces lysine, which is basic and polar, with threonine, which is neutral and polar, at codon 2380 of the SYNE2 protein (p.Lys2380Thr). This variant has not been reported in the literature in individuals affected with SYNE2-related conditions. ClinVar contains an entry for this variant (Variation ID: 646856). Algorithms developed to predict the effect of missense changes on protein structure and function (SIFT, PolyPhen-2, Align-GVGD) all suggest that this variant is likely to be tolerated. In summary, the available evidence is currently insufficient to determine the role of this variant in disease. Therefore, it has been classified as a Variant of Uncertain Significance.